The following is an entry in ClinVar:

NM_015690.5(STK36):c.2587-5T>C

Gene: STK36 (serine/threonine kinase 36; plus strand). Cytogenetic location: 2q35.
Variant type: single nucleotide variant.
Coding change: c.2587-5T>C on transcript NM_015690.5 (MANE Select); 5 bases into the intron before coding-DNA position 2587, T replaced by C.
Molecular consequence: intron variant.
Genome position (GRCh38, 1-based): chr2:218,697,034, T>C. VCF-style: chr2-218697034-T-C. GRCh37 (hg19) VCF-style: chr2-219561757-T-C.
Other names: c.2524-5T>C (NM_001243313.2); c.2587-5T>C (NM_001369423.1).
Identifiers: ClinVar variation 4984728 (VCV004984728.1).
Genomic context (GRCh38, chr2:218,697,034, plus strand): 5'-GAATAAAAGCATTTGGATTCCTGACTTCTGTCTTTCCCCCCGCCCTCTTTCACTTTTATC[T>C]CTAGCAGGGGAAGGCTAGCCTAATCAGGGATATGTCCAGTTCAGAAATGTGGACCGTTTT-3'

ClinVar aggregate classification (germline): Likely benign (1 of 4 stars; one submission).

Conditions:
STK36-related disorder. Also called: STK36-related condition.

gnomAD v4.1: 133 of 1,613,464 alleles (0.0082%); highest among the groups gnomAD compares: African/African-American, 0.055%; no homozygotes.

Submission:

PreventionGenetics, part of Exact Sciences
Classification: Likely benign for STK36-related condition. Last evaluated: 2025-12-06. Review status: criteria provided, single submitter. Criteria: ACMG Guidelines, 2015. Collection method: clinical testing. Allele origin: germline.
Comment: This variant is classified as likely benign based on ACMG/AMP sequence variant interpretation guidelines (Richards et al. 2015 PMID: 25741868, with internal and published modifications).